The following is an entry in ClinVar:

NM_000143.4(FH):c.565G>A (p.Asp189Asn)

Gene: FH (fumarate hydratase; minus strand). Cytogenetic location: 1q43.
Variant type: single nucleotide variant.
Coding change: c.565G>A on transcript NM_000143.4 (MANE Select); coding-DNA position 565, G replaced by A.
Protein change: p.Asp189Asn; replaces aspartic acid 189 with asparagine.
Molecular consequence: missense variant.
Genome position (GRCh38, 1-based): chr1:241,508,776, C>T on the plus strand (G>A on the coding strand, the complement: FH is on the minus strand). VCF-style: chr1-241508776-C-T. GRCh37 (hg19) VCF-style: chr1-241672076-C-T.
Other names: short protein forms D189N.
Identifiers: ClinVar variation 3230453 (VCV003230453.1), dbSNP rs2527327573, ClinGen allele CA345439493.

ClinVar aggregate classification (germline): Uncertain significance (1 of 4 stars; one submission).

Conditions:
Hereditary cancer-predisposing syndrome. Also called: Neoplastic Syndromes, Hereditary; Tumor predisposition; Hereditary neoplastic syndrome; Hereditary Cancer Syndrome. Identifiers: Orphanet 140162, MedGen C0027672, MeSH D009386, MONDO:0015356.

Submission:

Ambry Genetics
Classification: Uncertain significance for Hereditary cancer-predisposing syndrome. Last evaluated: 2023-12-13. Review status: criteria provided, single submitter. Criteria: Ambry Variant Classification Scheme 2023. Collection method: clinical testing. Allele origin: germline.
Comment: The p.D189N variant (also known as c.565G>A), located in coding exon 5 of the FH gene, results from a G to A substitution at nucleotide position 565. The aspartic acid at codon 189 is replaced by asparagine, an amino acid with highly similar properties. This amino acid position is highly conserved in available vertebrate species. In addition, this alteration is predicted to be deleterious by in silico analysis. Since supporting evidence is limited at this time, the clinical significance of this alteration remains unclear.